The following is an entry in ClinVar:

ClinVar aggregate classification (germline): Likely benign (0 of 4 stars; one submission).

Conditions:
TTC14-related disorder. Also called: TTC14-related condition.

Allele frequency attached by ClinVar (database versions not stated): gnomAD exomes 0.00002; ExAC 0.00003; gnomAD 0.00005; TOPMed 0.00005.

Submission:

PreventionGenetics, part of Exact Sciences
Classification: Likely benign for TTC14-related condition. Last evaluated: 2019-08-12. Review status: no assertion criteria provided. Collection method: clinical testing. Allele origin: germline.
Comment: This variant is classified as likely benign based on ACMG/AMP sequence variant interpretation guidelines (Richards et al. 2015 PMID: 25741868, with internal and published modifications).

NM_133462.4(TTC14):c.1143C>T (p.Leu381=)

Gene: TTC14 (tetratricopeptide repeat domain 14; plus strand). Cytogenetic location: 3q26.33.
Variant type: single nucleotide variant.
Coding change: c.1143C>T on transcript NM_133462.4 (MANE Select); coding-DNA position 1143, C replaced by T.
Protein change: p.Leu381=; no amino-acid change (leucine 381 retained).
Molecular consequence: synonymous variant.
Genome position (GRCh38, 1-based): chr3:180,606,574, C>T. VCF-style: chr3-180606574-C-T. GRCh37 (hg19) VCF-style: chr3-180324362-C-T.
Other names: c.1143C>T, p.Leu381= (NM_001042601.3, NM_001288582.2).
Identifiers: ClinVar variation 3035715 (VCV003035715.2), dbSNP rs751125005, ClinGen allele CA2715298.